The following is an entry in ClinVar:

ClinVar aggregate classification (germline): Uncertain significance. Review status: criteria provided, multiple submitters, no conflicts (2 of 4 stars). 2 submissions from 2 submitters: Uncertain significance (2). Last evaluated 2024-06-09.

Conditions:
Diamond-Blackfan anemia 12 (DBA12). Also called: RPL15-Related Diamond-Blackfan Anemia. Identifiers: Orphanet 124, MedGen C3809888, MONDO:0014245, OMIM 615550.

Allele frequency attached by ClinVar (database versions not stated): gnomAD 0.00001 and 0.00002; ExAC 0.00002; TOPMed below 0.00001; gnomAD exomes 0.00001.
gnomAD v4.1: 20 of 1,604,508 alleles (0.0012%); highest among the groups gnomAD compares: Middle Eastern, 0.02%; no homozygotes.

Submissions (2):

Labcorp Genetics (formerly Invitae), Labcorp
Classification: Uncertain significance. Last evaluated: 2024-06-09. Review status: criteria provided, single submitter. Criteria: Invitae Variant Classification Sherloc (09022015). Collection method: clinical testing. Allele origin: germline.
Comment: This sequence change replaces lysine, which is basic and polar, with arginine, which is basic and polar, at codon 179 of the RPL15 protein (p.Lys179Arg). This variant is present in population databases (rs774572575, gnomAD 0.004%). This variant has not been reported in the literature in individuals affected with RPL15-related conditions. ClinVar contains an entry for this variant (Variation ID: 1030605). An algorithm developed to predict the effect of missense changes on protein structure and function (PolyPhen-2) suggests that this variant is likely to be tolerated. In summary, the available evidence is currently insufficient to determine the role of this variant in disease. Therefore, it has been classified as a Variant of Uncertain Significance.

Baylor Genetics
Classification: Uncertain significance for Diamond-Blackfan anemia 12. Last evaluated: 2019-10-07. Review status: criteria provided, single submitter. Criteria: ACMG Guidelines, 2015. Collection method: clinical testing. Allele origin: unknown. Affected: yes.
Comment: This variant was determined to be of uncertain significance according to ACMG Guidelines, 2015 [PMID:25741868].

NM_002948.5(RPL15):c.536A>G (p.Lys179Arg)

Genes: NKIRAS1 (NFKB inhibitor interacting Ras like 1; minus strand), RPL15 (ribosomal protein L15; plus strand). Cytogenetic location: 3p24.2.
Variant type: single nucleotide variant.
Coding change: c.536A>G on transcript NM_002948.5 (MANE Select); coding-DNA position 536, A replaced by G.
Protein change: p.Lys179Arg; replaces lysine 179 with arginine.
Molecular consequence: missense variant. On other transcripts: intron variant (2).
Genome position (GRCh38, 1-based): chr3:23,919,422, A>G. VCF-style: chr3-23919422-A-G. GRCh37 (hg19) VCF-style: chr3-23960913-A-G.
Other names: c.536A>G, p.Lys179Arg (NM_001253379.2, NM_001253380.2, NM_001253382.2 and 1 more transcripts); c.-139-7972T>C (NM_001377380.1); c.360+176A>G (NM_001253384.2); short protein forms K179R.
Identifiers: ClinVar variation 1030605 (VCV001030605.6), dbSNP rs774572575, ClinGen allele CA2286536.